The following is an entry in ClinVar:

ClinVar aggregate classification (germline): Uncertain significance. Review status: criteria provided, multiple submitters, no conflicts (2 of 4 stars). 3 submissions from 3 submitters: Uncertain significance (3). Last evaluated 2024-03-27.

Conditions:
Cardiovascular phenotype. Identifiers: MedGen CN230736.
Dilated cardiomyopathy 1EE (CMD1EE). Identifiers: Orphanet 154, MedGen C2750466, MONDO:0013198, OMIM 613252.
Hypertrophic cardiomyopathy 14. Identifiers: MedGen C2750467, MONDO:0013197, OMIM 613251.
Atrial septal defect 3 (ASD3). Identifiers: Orphanet 1478, MedGen C3279790, MONDO:0013567, OMIM 614089.
Hypertrophic cardiomyopathy 1 (CMH1). Also called: Familial hypertrophic cardiomyopathy 1; MYH7-Related Familial Hypertrophic Cardiomyopathy. Identifiers: MedGen C3495498, MONDO:0008647, OMIM 192600.
Sick sinus syndrome 3, susceptibility to (SSS3). Identifiers: Orphanet 166282, MedGen C3279791, MONDO:0013568, OMIM 614090.

Allele frequency attached by ClinVar (database versions not stated): gnomAD exomes 0.00001 and 0.00002; gnomAD 0.00005 and 0.00006; TOPMed 0.00006.

Submissions (3):

Labcorp Genetics (formerly Invitae), Labcorp
Classification: Uncertain significance for Hypertrophic cardiomyopathy 14. Last evaluated: 2024-03-27. Review status: criteria provided, single submitter. Criteria: Invitae Variant Classification Sherloc (09022015). Collection method: clinical testing. Allele origin: germline.
Comment: This sequence change replaces valine, which is neutral and non-polar, with methionine, which is neutral and non-polar, at codon 76 of the MYH6 protein (p.Val76Met). This variant is present in population databases (no rsID available, gnomAD 0.02%). This variant has not been reported in the literature in individuals affected with MYH6-related conditions. ClinVar contains an entry for this variant (Variation ID: 537953). Advanced modeling of protein sequence and biophysical properties (such as structural, functional, and spatial information, amino acid conservation, physicochemical variation, residue mobility, and thermodynamic stability) has been performed at Invitae for this missense variant, however the output from this modeling did not meet the statistical confidence thresholds required to predict the impact of this variant on MYH6 protein function. In summary, the available evidence is currently insufficient to determine the role of this variant in disease. Therefore, it has been classified as a Variant of Uncertain Significance.

Ambry Genetics
Classification: Uncertain significance for Cardiovascular phenotype. Last evaluated: 2024-03-21. Review status: criteria provided, single submitter. Criteria: Ambry Variant Classification Scheme 2023. Collection method: clinical testing. Allele origin: germline.
Comment: The p.V76M variant (also known as c.226G>A), located in coding exon 2 of the MYH6 gene, results from a G to A substitution at nucleotide position 226. The valine at codon 76 is replaced by methionine, an amino acid with highly similar properties. This amino acid position is well conserved in available vertebrate species. In addition, the in silico prediction for this alteration is inconclusive. Since supporting evidence is limited at this time, the clinical significance of this alteration remains unclear.

Fulgent Genetics
Classification: Uncertain significance for Hypertrophic cardiomyopathy 1; Hypertrophic cardiomyopathy 14; Dilated cardiomyopathy 1EE; Atrial septal defect 3; Sick sinus syndrome 3, susceptibility to. Last evaluated: 2021-09-03. Review status: criteria provided, single submitter. Criteria: ACMG Guidelines, 2015. Collection method: clinical testing. Allele origin: unknown.

NM_002471.4(MYH6):c.226G>A (p.Val76Met)

Genes: MYH6 (myosin heavy chain 6; minus strand), LOC114827851 (VISTA enhancer hs2155; plus strand). Cytogenetic location: 14q11.2.
Variant type: single nucleotide variant.
Coding change: c.226G>A on transcript NM_002471.4 (MANE Select); coding-DNA position 226, G replaced by A.
Protein change: p.Val76Met; replaces valine 76 with methionine.
Molecular consequence: missense variant.
Genome position (GRCh38, 1-based): chr14:23,405,746, C>T on the plus strand (G>A on the coding strand, the complement: MYH6 is on the minus strand). VCF-style: chr14-23405746-C-T. GRCh37 (hg19) VCF-style: chr14-23874955-C-T.
Other names: short protein forms V76M.
Identifiers: ClinVar variation 537953 (VCV000537953.13), dbSNP rs977234074, ClinGen allele CA257799250.
Genomic context (GRCh38, chr14:23,405,746, plus strand): 5'-GGAAGGTCAGCATGGCCATGTCCTCAATCTTGTCGAACTTGGGTGGGTTCTGCTGCAACA[C>T]CTGGTCCTCCTTCACAGTCACCGTCTGGAGGGGGCGCATAAGCAGGAGGATGAGTGACCA-3'
Protein context (NP_002462.2, residues 66-86): GKTVTVKEDQ[Val76Met]LQQNPPKFDK